The following is an entry in ClinVar:

ClinVar aggregate classification (germline): Uncertain significance. Review status: criteria provided, multiple submitters, no conflicts (2 of 4 stars). 2 submissions from 2 submitters: Uncertain significance (2). Last evaluated 2021-08-26.

Conditions:
Meier-Gorlin syndrome 1 (MGORS1). Also called: EAR, PATELLA, SHORT STATURE SYNDROME. Identifiers: Orphanet 2554, MedGen C4552001, MONDO:0009143, OMIM 224690.

Allele frequency attached by ClinVar (database versions not stated): gnomAD exomes 0.00006 and 0.00016; ExAC 0.00008; gnomAD 0.00009 and 0.00010; TOPMed 0.00009.
gnomAD v4.1: 253 of 1,612,304 alleles (0.016%); highest among the groups gnomAD compares: Non-Finnish European, 0.02%; no homozygotes.

Submissions (2):

Labcorp Genetics (formerly Invitae), Labcorp
Classification: Uncertain significance. Last evaluated: 2021-08-26. Review status: criteria provided, single submitter. Criteria: Invitae Variant Classification Sherloc (09022015). Collection method: clinical testing. Allele origin: germline.
Comment: This sequence change affects codon 461 of the ORC1 mRNA. It is a 'silent' change, meaning that it does not change the encoded amino acid sequence of the ORC1 protein. It affects a nucleotide within the consensus splice site of the intron. This variant is present in population databases (rs200773796, ExAC 0.01%). This variant has not been reported in the literature in individuals affected with ORC1-related conditions. ClinVar contains an entry for this variant (Variation ID: 876821). Algorithms developed to predict the effect of sequence changes on RNA splicing suggest that this variant is not likely to affect RNA splicing. In summary, the available evidence is currently insufficient to determine the role of this variant in disease. Therefore, it has been classified as a Variant of Uncertain Significance.

Illumina Laboratory Services, Illumina
Classification: Uncertain significance for Meier-Gorlin syndrome 1. Last evaluated: 2018-01-12. Review status: criteria provided, single submitter. Criteria: ICSL Variant Classification Criteria 13 December 2019. Collection method: clinical testing. Allele origin: germline.

NM_004153.4(ORC1):c.1383T>C (p.Ser461=)

Gene: ORC1 (origin recognition complex subunit 1; minus strand). Cytogenetic location: 1p32.3.
Variant type: single nucleotide variant.
Coding change: c.1383T>C on transcript NM_004153.4 (MANE Select); coding-DNA position 1383, T replaced by C.
Protein change: p.Ser461=; no amino-acid change (serine 461 retained).
Molecular consequence: synonymous variant. On other transcripts: intron variant (1).
Genome position (GRCh38, 1-based): chr1:52,388,442, A>G on the plus strand (T>C on the coding strand, the complement: ORC1 is on the minus strand). VCF-style: chr1-52388442-A-G. GRCh37 (hg19) VCF-style: chr1-52854114-A-G.
Other names: c.1383T>C, p.Ser461= (NM_001190818.2); c.1368+15T>C (NM_001190819.2).
Identifiers: ClinVar variation 876821 (VCV000876821.6), dbSNP rs200773796, ClinGen allele CA853358.